The following is an entry in ClinVar:

ClinVar aggregate classification (germline): Uncertain significance. Review status: criteria provided, multiple submitters, no conflicts (2 of 4 stars). 2 submissions from 2 submitters: Uncertain significance (2). Last evaluated 2024-12-22.

Conditions:
Inborn genetic diseases. Identifiers: MedGen C0950123, MeSH D030342.

Allele frequency attached by ClinVar (database versions not stated): ExAC 0.00001; gnomAD exomes 0.00001 and 0.00002; gnomAD 0.00006.
gnomAD v4.1: 23 of 1,614,092 alleles (0.0014%); highest among the groups gnomAD compares: Non-Finnish European, 0.0019%; no homozygotes.

Submissions (2):

Ambry Genetics
Classification: Uncertain significance for Inborn genetic diseases. Last evaluated: 2024-12-22. Review status: criteria provided, single submitter. Criteria: Ambry Variant Classification Scheme 2023. Collection method: clinical testing. Allele origin: germline.

Labcorp Genetics (formerly Invitae), Labcorp
Classification: Uncertain significance. Last evaluated: 2021-08-16. Review status: criteria provided, single submitter. Criteria: Invitae Variant Classification Sherloc (09022015). Collection method: clinical testing. Allele origin: germline.
Comment: This sequence change replaces leucine with valine at codon 192 of the HTRA2 protein (p.Leu192Val). The leucine residue is highly conserved and there is a small physicochemical difference between leucine and valine. This variant is present in population databases (rs750741830, ExAC 0.002%). This variant has not been reported in the literature in individuals affected with HTRA2-related conditions. Algorithms developed to predict the effect of missense changes on protein structure and function are either unavailable or do not agree on the potential impact of this missense change (SIFT: "Deleterious"; PolyPhen-2: "Probably Damaging"; Align-GVGD: "Class C0"). In summary, the available evidence is currently insufficient to determine the role of this variant in disease. Therefore, it has been classified as a Variant of Uncertain Significance.

NM_013247.5(HTRA2):c.574C>G (p.Leu192Val)

Genes: HTRA2 (HtrA serine peptidase 2; plus strand), LOC129934141 (ATAC-STARR-seq lymphoblastoid active region 16073; plus strand). Cytogenetic location: 2p13.1.
Variant type: single nucleotide variant.
Coding change: c.574C>G on transcript NM_013247.5 (MANE Select); coding-DNA position 574, C replaced by G.
Protein change: p.Leu192Val; replaces leucine 192 with valine.
Molecular consequence: missense variant. On other transcripts: non-coding transcript variant (4).
Genome position (GRCh38, 1-based): chr2:74,530,684, C>G. VCF-style: chr2-74530684-C-G. GRCh37 (hg19) VCF-style: chr2-74757811-C-G.
Other names: c.574C>G, p.Leu192Val (NM_001321727.1, NM_001321728.1, NM_145074.2); c.574C>G (NM_013247.4); short protein forms L192V.
Identifiers: ClinVar variation 1374714 (VCV001374714.4), dbSNP rs750741830, ClinGen allele CA1728391.